The following is an entry in ClinVar:

NM_000821.7(GGCX):c.*4840T>C

Genes: GGCX (gamma-glutamyl carboxylase; minus strand), MAT2A (methionine adenosyltransferase 2A; plus strand). Cytogenetic location: 2p11.2.
Variant type: single nucleotide variant.
Coding change: c.*4840T>C on transcript NM_000821.7 (MANE Select); 4840 bases downstream of the stop codon, T replaced by C.
Molecular consequence: 3 prime UTR variant.
Genome position (GRCh38, 1-based): chr2:85,545,094, A>G on the plus strand (T>C on the coding strand, the complement: GGCX is on the minus strand). VCF-style: chr2-85545094-A-G. GRCh37 (hg19) VCF-style: chr2-85772217-A-G.
Other names: c.*4840T>C (NM_001142269.4); c.*1322A>G (NM_005911.6).
Identifiers: ClinVar variation 898900 (VCV000898900.4), dbSNP rs149495444, ClinGen allele CA51728051.

ClinVar aggregate classification (germline): Benign (1 of 4 stars; one submission).

Conditions:
Vitamin K-dependent clotting factors, combined deficiency of, type 1. Also called: FACTORS II, VII, IX, AND X, COMBINED DEFICIENCY OF; FAMILIAL MULTIPLE COAGULATION FACTOR DEFICIENCY III; FMFD III; GLUTAMIC ACID, DEFICIENT GAMMA-CARBOXYLATION OF; MULTIPLE COAGULATION FACTOR DEFICIENCY III; VITAMIN K-DEPENDENT COAGULATION DEFECT. Identifiers: Orphanet 98434, MedGen C1848534, MONDO:0010187, OMIM 277450.

Allele frequency attached by ClinVar (database versions not stated): gnomAD 0.00019 and 0.00060; TOPMed 0.00041; 1000 Genomes Project 30x 0.00422; 1000 Genomes Project 0.00479.

Submission:

Illumina Laboratory Services, Illumina
Classification: Benign for Vitamin K-dependent clotting factors, combined deficiency of, type 1. Last evaluated: 2017-04-27. Review status: criteria provided, single submitter. Criteria: ICSL Variant Classification Criteria 13 December 2019. Collection method: clinical testing. Allele origin: germline.
Comment: This variant was observed as part of a predisposition screen in an ostensibly healthy population. A literature search was performed for the gene, cDNA change, and amino acid change (where applicable). No publications were found based on this search. Allele frequency data from public databases was too high to be consistent with this variant causing disease. Therefore, this variant is classified as benign.